The following is an entry in ClinVar:

NM_152419.3(HGSNAT):c.317A>G (p.Gln106Arg)

Gene: HGSNAT (heparan-alpha-glucosaminide N-acetyltransferase; plus strand). Cytogenetic location: 8p11.21.
Variant type: single nucleotide variant.
Coding change: c.317A>G on transcript NM_152419.3 (MANE Select); coding-DNA position 317, A replaced by G.
Protein change: p.Gln106Arg; replaces glutamine 106 with arginine.
Molecular consequence: missense variant. On other transcripts: 5 prime UTR variant (1).
Genome position (GRCh38, 1-based): chr8:43,158,657, A>G. VCF-style: chr8-43158657-A-G. GRCh37 (hg19) VCF-style: chr8-43013800-A-G.
Other names: c.317A>G, p.Gln106Arg (NM_001363227.2, NM_001363228.2); c.-517A>G (NM_001363229.2); short protein forms Q106R.
Identifiers: ClinVar variation 962869 (VCV000962869.44), dbSNP rs368082613, ClinGen allele CA4736480.
Genomic context (GRCh38, chr8:43,158,657, plus strand): 5'-ACGTTCCTCAGAGTCCAAAAGCAGGGAAGCCTAGTGCTGCAGCTGCCTCTGTCAGCACCC[A>G]GCACGGATCTATCCTGCAGCTGAACGACACCTTGGAAGAGAAAGAAGTTTGTAGGTTTGT-3'
Protein context (NP_689632.2, residues 96-116): PSAAAASVST[Gln106Arg]HGSILQLNDT

ClinVar aggregate classification (germline): Uncertain significance. Review status: criteria provided, multiple submitters, no conflicts (2 of 4 stars). 5 submissions from 5 submitters: Uncertain significance (4). 1 of the submissions does not count toward it. Last evaluated 2025-06-11.

Conditions:
Mucopolysaccharidosis, MPS-III-C (MPS3C). Also called: MUCOPOLYSACCHARIDOSIS, TYPE IIIC; MPS III C; MPS IIIC (Sanfilippo Syndrome Type C); SANFILIPPO SYNDROME C; Mucopolysaccharidosis type IIIC (Sanfilippo C); mucopolysaccharidosis type 3C. Identifiers: Orphanet 581, Orphanet 79271, MedGen C0086649, MONDO:0009657, OMIM 252930.
Inborn genetic diseases. Identifiers: MedGen C0950123, MeSH D030342.
Retinitis pigmentosa 73 (RP73). Identifiers: Orphanet 791, MedGen C4225287, MONDO:0014687, OMIM 616544.

Allele frequency attached by ClinVar (database versions not stated): ExAC 0.00002; gnomAD exomes 0.00002 and 0.00003; TOPMed 0.00002; gnomAD 0.00003; ESP Exome Variant Server 0.00008.
gnomAD v4.1: 50 of 1,613,900 alleles (0.0031%); highest among the groups gnomAD compares: Non-Finnish European, 0.0041%; no homozygotes.

Submissions (5):

Ambry Genetics
Classification: Uncertain significance for Inborn genetic diseases. Last evaluated: 2025-06-11. Review status: criteria provided, single submitter. Criteria: Ambry Variant Classification Scheme 2023. Collection method: clinical testing. Allele origin: germline.

Labcorp Genetics (formerly Invitae), Labcorp
Classification: Uncertain significance for Retinitis pigmentosa 73; Mucopolysaccharidosis, MPS-III-C. Last evaluated: 2024-10-08. Review status: criteria provided, single submitter. Criteria: Invitae Variant Classification Sherloc (09022015). Collection method: clinical testing. Allele origin: germline.
Comment: This sequence change replaces glutamine, which is neutral and polar, with arginine, which is basic and polar, at codon 106 of the HGSNAT protein (p.Gln106Arg). This variant is present in population databases (rs368082613, gnomAD 0.003%). This variant has not been reported in the literature in individuals affected with HGSNAT-related conditions. ClinVar contains an entry for this variant (Variation ID: 962869). Invitae Evidence Modeling of protein sequence and biophysical properties (such as structural, functional, and spatial information, amino acid conservation, physicochemical variation, residue mobility, and thermodynamic stability) has been performed for this missense variant. However, the output from this modeling did not meet the statistical confidence thresholds required to predict the impact of this variant on HGSNAT protein function. In summary, the available evidence is currently insufficient to determine the role of this variant in disease. Therefore, it has been classified as a Variant of Uncertain Significance.

Blueprint Genetics
Classification: Uncertain significance. Last evaluated: 2024-08-19. Review status: criteria provided, single submitter. Criteria: ACMG Guidelines, 2015. Collection method: clinical testing. Allele origin: germline.

CeGaT Center for Human Genetics Tuebingen
Classification: Uncertain significance. Last evaluated: 2020-12-01. Review status: criteria provided, single submitter. Criteria: CeGaT Center For Human Genetics Tuebingen Variant Classification Criteria Version 2. Collection method: clinical testing. Allele origin: germline. Affected: yes. Observed: 1 variant allele.

Natera, Inc.
Classification: Uncertain significance for Mucopolysaccharidosis type IIIC. Last evaluated: 2020-01-31. Review status: no assertion criteria provided. Collection method: clinical testing. Allele origin: germline. Not counted in ClinVar's aggregate classification.